The following is an entry in ClinVar:

ClinVar aggregate classification (germline): Uncertain significance (1 of 4 stars; one submission).

Conditions:
Inborn genetic diseases. Identifiers: MedGen C0950123, MeSH D030342.

Submission:

Ambry Genetics
Classification: Uncertain significance for Inborn genetic diseases. Last evaluated: 2021-10-30. Review status: criteria provided, single submitter. Criteria: Ambry Variant Classification Scheme 2023. Collection method: clinical testing. Allele origin: germline.
Comment: The p.V174I variant (also known as c.520G>A), located in coding exon 4 of the ATR gene, results from a G to A substitution at nucleotide position 520. The valine at codon 174 is replaced by isoleucine, an amino acid with highly similar properties. This amino acid position is conserved. In addition, this alteration is predicted to be tolerated by in silico analysis. Since supporting evidence is limited at this time, the clinical significance of this alteration remains unclear.

NM_001184.4(ATR):c.520G>A (p.Val174Ile)

Gene: ATR (ATR checkpoint kinase; minus strand). Cytogenetic location: 3q23.
Variant type: single nucleotide variant.
Coding change: c.520G>A on transcript NM_001184.4 (MANE Select); coding-DNA position 520, G replaced by A.
Protein change: p.Val174Ile; replaces valine 174 with isoleucine.
Molecular consequence: missense variant.
Genome position (GRCh38, 1-based): chr3:142,562,882, C>T on the plus strand (G>A on the coding strand, the complement: ATR is on the minus strand). VCF-style: chr3-142562882-C-T. GRCh37 (hg19) VCF-style: chr3-142281724-C-T.
Other names: c.520G>A, p.Val174Ile (NM_001354579.2); short protein forms V174I.
Identifiers: ClinVar variation 1746102 (VCV001746102.2), dbSNP rs942503989, ClinGen allele CA84755885.